The following is an entry in ClinVar:

ClinVar aggregate classification (germline): Pathogenic (1 of 4 stars; one submission).

Conditions:
Autosomal recessive limb-girdle muscular dystrophy type 2E (LGMDR4). Also called: MUSCULAR DYSTROPHY, LIMB-GIRDLE, AUTOSOMAL RECESSIVE 4. Identifiers: Orphanet 119, MedGen C1858593, MONDO:0011423, OMIM 604286. Disease mechanism: Affects gamma-sarcoglycan and also disrupts the integrity of the entire sarcoglycan complex..

Submission:

Labcorp Genetics (formerly Invitae), Labcorp
Classification: Pathogenic for Autosomal recessive limb-girdle muscular dystrophy type 2E. Last evaluated: 2021-11-18. Review status: criteria provided, single submitter. Criteria: Invitae Variant Classification Sherloc (09022015). Collection method: clinical testing. Allele origin: germline.
Comment: This sequence change creates a premature translational stop signal (p.Ser181Glnfs*5) in the SGCB gene. It is expected to result in an absent or disrupted protein product. Loss-of-function variants in SGCB are known to be pathogenic (PMID: 15938573, 18285821). This variant is not present in population databases (gnomAD no frequency). For these reasons, this variant has been classified as Pathogenic. This variant has not been reported in the literature in individuals affected with SGCB-related conditions.

Literature cited by the submitters: PubMed 15938573; PubMed 18285821.

NM_000232.5(SGCB):c.539dup (p.Ser181fs)

Gene: SGCB (sarcoglycan beta; minus strand). Cytogenetic location: 4q12.
Variant type: Duplication.
Coding change: c.539dup on transcript NM_000232.5 (MANE Select); coding-DNA position 539, one base duplicated (T; older notation c.539dupT).
Protein change: p.Ser181fs; shifts the reading frame from serine 181.
Molecular consequence: frameshift variant.
Genome position (GRCh38, 1-based): chr4:52,028,812, A duplicated on the plus strand (T on the coding strand, the reverse complement: SGCB is on the minus strand); the first of 2 consecutive A bases (chr4:52,028,812-52,028,813); duplicating either gives the same sequence. VCF-style (leftmost placement, unchanged base first): chr4-52028811-G-GA. GRCh37 (hg19) VCF-style: chr4-52894977-G-GA.
Other names: short protein forms S181fs.
Identifiers: ClinVar variation 1451523 (VCV001451523.6), dbSNP rs1737176330, ClinGen allele CA2573137893.
Genomic context (GRCh38, chr4:52,028,811, plus strand): 5'-AACATTCAAACTTTTCACTCCACTTGGCAAATGAAACTCATGAGTTTCATAGTCTGTGCT[G>GA]AATAAGATATTTTGAGTCCTCGGGTCAAAAAACTGCATGCCGATGTCACTTGTAATAGAA-3'